The following is an entry in ClinVar:

ClinVar aggregate classification (germline): Uncertain significance. Review status: criteria provided, multiple submitters, no conflicts (2 of 4 stars). 2 submissions from 2 submitters: Uncertain significance (2). Last evaluated 2022-01-31.

Conditions:
Hereditary cancer-predisposing syndrome. Also called: Neoplastic Syndromes, Hereditary; Tumor predisposition; Hereditary Cancer Syndrome; Hereditary neoplastic syndrome. Identifiers: Orphanet 140162, MedGen C0027672, MeSH D009386, MONDO:0015356.
Hereditary nonpolyposis colorectal neoplasms. Identifiers: MedGen C0009405, MeSH D003123.

Submissions (2):

Ambry Genetics
Classification: Uncertain significance for Hereditary cancer-predisposing syndrome. Last evaluated: 2022-01-31. Review status: criteria provided, single submitter. Criteria: Ambry Variant Classification Scheme 2023. Collection method: clinical testing. Allele origin: germline.
Comment: The p.G308D variant (also known as c.923G>A), located in coding exon 4 of the MSH6 gene, results from a G to A substitution at nucleotide position 923. The glycine at codon 308 is replaced by aspartic acid, an amino acid with similar properties. This amino acid position is not well conserved in available vertebrate species. In addition, this alteration is predicted to be tolerated by in silico analysis. Since supporting evidence is limited at this time, the clinical significance of this alteration remains unclear.

Labcorp Genetics (formerly Invitae), Labcorp
Classification: Uncertain significance for Hereditary nonpolyposis colorectal neoplasms. Last evaluated: 2017-11-04. Review status: criteria provided, single submitter. Criteria: Invitae Variant Classification Sherloc (09022015). Collection method: clinical testing. Allele origin: germline.
Comment: Algorithms developed to predict the effect of missense changes on protein structure and function (SIFT, PolyPhen-2, Align-GVGD) all suggest that this variant is likely to be tolerated, but these predictions have not been confirmed by published functional studies and their clinical significance is uncertain. In summary, the available evidence is currently insufficient to determine the role of this variant in disease. Therefore, it has been classified as a Variant of Uncertain Significance. This variant has not been reported in the literature in individuals with MSH6-related disease. This variant is not present in population databases (ExAC no frequency). This sequence change replaces glycine with aspartic acid at codon 308 of the MSH6 protein (p.Gly308Asp). The glycine residue is weakly conserved and there is a moderate physicochemical difference between glycine and aspartic acid.

NM_000179.3(MSH6):c.923G>A (p.Gly308Asp)

Gene: MSH6 (mutS homolog 6; plus strand). Cytogenetic location: 2p16.3.
Variant type: single nucleotide variant.
Coding change: c.923G>A on transcript NM_000179.3 (MANE Select); coding-DNA position 923, G replaced by A.
Protein change: p.Gly308Asp; replaces glycine 308 with aspartic acid.
Molecular consequence: missense variant.
Genome position (GRCh38, 1-based): chr2:47,798,906, G>A. VCF-style: chr2-47798906-G-A. GRCh37 (hg19) VCF-style: chr2-48026045-G-A.
Other names: c.533G>A, p.Gly178Asp (NM_001281492.2); c.17G>A, p.Gly6Asp (NM_001281493.2, NM_001281494.2); short protein forms G308D, G6D, G178D.
Identifiers: ClinVar variation 525714 (VCV000525714.11), dbSNP rs1553412354, ClinGen allele CA346740744.
Genomic context (GRCh38, chr2:47,798,906, plus strand): 5'-AAGGCCTGAACAGCCCTGTCAAAGTTGCTCGAAAGCGGAAGAGAATGGTGACTGGAAATG[G>A]CTCTCTTAAAAGGAAAAGCTCTAGGAAGGAAACGCCCTCAGCCACCAAACAAGCAACTAG-3'
Protein context (NP_000170.1, residues 298-318): RKRKRMVTGN[Gly308Asp]SLKRKSSRKE